The following is an entry in ClinVar:

ClinVar aggregate classification (germline): Uncertain significance (1 of 4 stars; one submission).

Conditions:
Autoimmune interstitial lung disease-arthritis syndrome. Also called: Autoinflammation and autoimmunity, systemic, with immune dysregulation. Identifiers: Orphanet 444092, MedGen C5975714, MONDO:0014629.

Allele frequency attached by ClinVar (database versions not stated): gnomAD exomes below 0.00001; ExAC 0.00001; gnomAD 0.00001; TOPMed 0.00001.
gnomAD v4.1: 7 of 1,613,428 alleles (0.00043%); highest among the groups gnomAD compares: East Asian, 0.011%; no homozygotes.

Submission:

Labcorp Genetics (formerly Invitae), Labcorp
Classification: Uncertain significance for Autoimmune interstitial lung disease-arthritis syndrome. Last evaluated: 2025-05-27. Review status: criteria provided, single submitter. Criteria: Invitae Variant Classification Sherloc (09022015). Collection method: clinical testing. Allele origin: germline.
Comment: This sequence change falls in intron 26 of the COPA gene. It does not directly change the encoded amino acid sequence of the COPA protein. It affects a nucleotide within the consensus splice site. This variant is present in population databases (rs762332751, gnomAD 0.02%). This variant has not been reported in the literature in individuals affected with COPA-related conditions. ClinVar contains an entry for this variant (Variation ID: 1962842). Variants that disrupt the consensus splice site are a relatively common cause of aberrant splicing (PMID: 17576681, 9536098). Algorithms developed to predict the effect of sequence changes on RNA splicing suggest that this variant is not likely to affect RNA splicing. In summary, the available evidence is currently insufficient to determine the role of this variant in disease. Therefore, it has been classified as a Variant of Uncertain Significance.

Literature cited by the submitters: PubMed 17576681; PubMed 9536098.

NM_004371.4(COPA):c.2754+5G>A

Gene: COPA (coat protein complex I subunit alpha; minus strand). Cytogenetic location: 1q23.2.
Variant type: single nucleotide variant.
Coding change: c.2754+5G>A on transcript NM_004371.4 (MANE Select); 5 bases into the intron after coding-DNA position 2754, G replaced by A.
Molecular consequence: intron variant.
Genome position (GRCh38, 1-based): chr1:160,293,381, C>T on the plus strand (G>A on the coding strand, the complement: COPA is on the minus strand). VCF-style: chr1-160293381-C-T. GRCh37 (hg19) VCF-style: chr1-160263171-C-T.
Other names: c.2781+5G>A (NM_001098398.2).
Identifiers: ClinVar variation 1962842 (VCV001962842.5), dbSNP rs762332751, ClinGen allele CA1197802.
Genomic context (GRCh38, chr1:160,293,381, plus strand): 5'-ACCTGTTATATACCAATCAAGTATTAGCCACTCATCCCTGCCGTGCTAGGTTTCTTCCCG[C>T]TTACCTGAGTTGGACTTGTTCCCTTGGTTGGGGGCACAAAGAAACCATCTTCAGCCCCAC-3'